The following is an entry in ClinVar:

ClinVar aggregate classification (germline): Uncertain significance. Review status: criteria provided, multiple submitters, no conflicts (2 of 4 stars). 2 submissions from 2 submitters: Uncertain significance (2). Last evaluated 2025-04-02.

Allele frequency attached by ClinVar (database versions not stated): gnomAD exomes below 0.00001; gnomAD 0.00001; ExAC 0.00002; 1000 Genomes Project 30x 0.00016; 1000 Genomes Project 0.00020.

Submissions (2):

Ambry Genetics
Classification: Uncertain significance. Last evaluated: 2025-04-02. Review status: criteria provided, single submitter. Criteria: Ambry Variant Classification Scheme 2023. Collection method: clinical testing. Allele origin: germline.

Labcorp Genetics (formerly Invitae), Labcorp
Classification: Uncertain significance. Last evaluated: 2022-11-08. Review status: criteria provided, single submitter. Criteria: Invitae Variant Classification Sherloc (09022015). Collection method: clinical testing. Allele origin: germline.
Comment: In summary, the available evidence is currently insufficient to determine the role of this variant in disease. Therefore, it has been classified as a Variant of Uncertain Significance. Advanced modeling of protein sequence and biophysical properties (such as structural, functional, and spatial information, amino acid conservation, physicochemical variation, residue mobility, and thermodynamic stability) performed at Invitae indicates that this missense variant is not expected to disrupt ICK protein function. This variant has not been reported in the literature in individuals affected with ICK-related conditions. This variant is present in population databases (rs546072906, gnomAD 0.003%). This sequence change replaces asparagine, which is neutral and polar, with aspartic acid, which is acidic and polar, at codon 379 of the ICK protein (p.Asn379Asp).

NM_014920.5(CILK1):c.1135A>G (p.Asn379Asp)

Gene: CILK1 (ciliogenesis associated kinase 1; minus strand). Cytogenetic location: 6p12.1.
Variant type: single nucleotide variant.
Coding change: c.1135A>G on transcript NM_014920.5 (MANE Select); coding-DNA position 1135, A replaced by G.
Protein change: p.Asn379Asp; replaces asparagine 379 with aspartic acid.
Molecular consequence: missense variant. On other transcripts: non-coding transcript variant (1).
Genome position (GRCh38, 1-based): chr6:53,013,679, T>C on the plus strand (A>G on the coding strand, the complement: CILK1 is on the minus strand). VCF-style: chr6-53013679-T-C. GRCh37 (hg19) VCF-style: chr6-52878477-T-C.
Other names: c.1135A>G (NM_016513.4); c.1135A>G, p.Asn379Asp (NM_001375397.1, NM_001375398.1, NM_001375399.1 and 4 more transcripts); short protein forms N379D.
Identifiers: ClinVar variation 1953580 (VCV001953580.6), dbSNP rs546072906, ClinGen allele CA3858625.
Genomic context (GRCh38, chr6:53,013,679, plus strand): 5'-AATAAACAGACACGAAGCTCACTGGTGAATCTGGGCTGCTCACCGACTGTGGATGCTTGT[T>C]GTGGAGGGATGGGAAAAGCAACGGGCTTGGCTTGTCCTCCTGGAGATGGCTTGGGTGATC-3'
Protein context (NP_055735.1, residues 369-389): PSPLLFPSLH[Asn379Asp]KHPQSKITAG